The following is an entry in ClinVar:

NM_006734.4(HIVEP2):c.7021G>T (p.Glu2341Ter)

Gene: HIVEP2 (HIVEP zinc finger 2; minus strand). Cytogenetic location: 6q24.2.
Variant type: single nucleotide variant.
Coding change: c.7021G>T on transcript NM_006734.4 (MANE Select); coding-DNA position 7021, G replaced by T.
Protein change: p.Glu2341Ter; replaces glutamic acid 2341 with a stop codon.
Molecular consequence: nonsense.
Genome position (GRCh38, 1-based): chr6:142,753,427, C>A on the plus strand (G>T on the coding strand, the complement: HIVEP2 is on the minus strand). VCF-style: chr6-142753427-C-A. GRCh37 (hg19) VCF-style: chr6-143074564-C-A.
Other names: short protein forms E2341*.
Identifiers: ClinVar variation 4057097 (VCV004057097.1).

ClinVar aggregate classification (germline): Uncertain significance (1 of 4 stars; one submission).

Submission:

GeneDx
Classification: Uncertain significance. Last evaluated: 2025-01-08. Review status: criteria provided, single submitter. Criteria: GeneDx Variant Classification Process June 2021. Collection method: clinical testing. Allele origin: germline. Affected: yes.
Comment: Not observed at significant frequency in large population cohorts (gnomAD); Nonsense variant predicted to result in protein truncation as the last 106 amino acid(s) are lost; Has not been previously published as pathogenic or benign to our knowledge